The following is an entry in ClinVar:

NM_000540.3(RYR1):c.4728C>T (p.Ala1576=)

Gene: RYR1 (ryanodine receptor 1; plus strand). Cytogenetic location: 19q13.2.
Variant type: single nucleotide variant.
Coding change: c.4728C>T on transcript NM_000540.3 (MANE Select); coding-DNA position 4728, C replaced by T.
Protein change: p.Ala1576=; no amino-acid change (alanine 1576 retained).
Molecular consequence: synonymous variant.
Genome position (GRCh38, 1-based): chr19:38,483,310, C>T. VCF-style: chr19-38483310-C-T. GRCh37 (hg19) VCF-style: chr19-38973950-C-T.
Other names: c.4728C>T, p.Ala1576= (NM_001042723.2).
Identifiers: ClinVar variation 1947539 (VCV001947539.28), dbSNP rs932457096, ClinGen allele CA308090469.

ClinVar aggregate classification (germline): Likely benign. Review status: criteria provided, multiple submitters, no conflicts (2 of 4 stars). 3 submissions from 3 submitters: Likely benign (3). Last evaluated 2025-11-01.

Conditions:
RYR1-related disorder. Also called: RYR1-related disorders; RYR1-related condition. Identifiers: MedGen CN239331.

Allele frequency attached by ClinVar (database versions not stated): gnomAD exomes 0.00001; gnomAD 0.00002; TOPMed 0.00003.
gnomAD v4.1: 16 of 1,559,780 alleles (0.001%); highest among the groups gnomAD compares: Non-Finnish European, 0.0013%; no homozygotes.

Submissions (3):

CeGaT Center for Human Genetics Tuebingen
Classification: Likely benign. Last evaluated: 2025-11-01. Review status: criteria provided, single submitter. Criteria: CeGaT Center For Human Genetics Tuebingen Variant Classification Criteria Version 2. Collection method: clinical testing. Allele origin: germline. Affected: yes. Observed: 1 variant allele.
Comment: RYR1: BP4, BP7

Labcorp Genetics (formerly Invitae), Labcorp
Classification: Likely benign for RYR1-related disorder. Last evaluated: 2025-01-23. Review status: criteria provided, single submitter. Criteria: Invitae Variant Classification Sherloc (09022015). Collection method: clinical testing. Allele origin: germline.

Blueprint Genetics
Classification: Likely benign. Last evaluated: 2022-04-25. Review status: criteria provided, single submitter. Criteria: ACMG Guidelines, 2015. Collection method: clinical testing. Allele origin: germline.